The following is an entry in ClinVar:

NM_005559.4(LAMA1):c.5697del (p.Thr1900fs)

Gene: LAMA1 (laminin subunit alpha 1; minus strand). Cytogenetic location: 18p11.31.
Variant type: Deletion.
Coding change: c.5697del on transcript NM_005559.4 (MANE Select); coding-DNA position 5697, one base deleted (C; older notation c.5697delC).
Protein change: p.Thr1900fs; shifts the reading frame from threonine 1900.
Molecular consequence: frameshift variant.
Genome position (GRCh38, 1-based): chr18:6,983,198, G deleted on the plus strand (C on the coding strand, the reverse complement: LAMA1 is on the minus strand); the first of 2 consecutive G bases (chr18:6,983,198-6,983,199); deleting either gives the same sequence. VCF-style (leftmost placement, unchanged base first): chr18-6983197-TG-T. GRCh37 (hg19) VCF-style: chr18-6983196-TG-T.
Other names: short protein forms T1900fs.
Identifiers: ClinVar variation 5018632 (VCV005018632.2).

ClinVar aggregate classification (germline): Likely pathogenic (1 of 4 stars; one submission).

Conditions:
Ataxia - intellectual disability - oculomotor apraxia - cerebellar cysts syndrome. Also called: Poretti-Boltshauser syndrome. Identifiers: Orphanet 370022, MedGen C4014821, MONDO:0014419, OMIM 615960.

Submission:

Juno Genomics, Hangzhou Juno Genomics, Inc
Classification: Likely pathogenic for Ataxia - intellectual disability - oculomotor apraxia - cerebellar cysts syndrome. Review status: criteria provided, single submitter. Criteria: ACMG Guidelines, 2015. Collection method: clinical testing. Allele origin: germline.
Comment: Absent from controls (or at extremely low frequency if recessive) in Genome Aggregation Database.;Null variant in a gene where loss of function (LOF) is a known mechanism of disease.